The following is an entry in ClinVar:

NM_002958.4(RYK):c.1557C>T (p.Phe519=)

Gene: RYK (receptor like tyrosine kinase; minus strand). Cytogenetic location: 3q22.2.
Variant type: single nucleotide variant.
Coding change: c.1557C>T on transcript NM_002958.4 (MANE Select); coding-DNA position 1557, C replaced by T.
Protein change: p.Phe519=; no amino-acid change (phenylalanine 519 retained).
Molecular consequence: synonymous variant.
Genome position (GRCh38, 1-based): chr3:134,175,627, G>A on the plus strand (C>T on the coding strand, the complement: RYK is on the minus strand). VCF-style: chr3-134175627-G-A. GRCh37 (hg19) VCF-style: chr3-133894471-G-A.
Other names: c.1566C>T, p.Phe522= (NM_001005861.3).
Identifiers: ClinVar variation 4987345 (VCV004987345.1).

ClinVar aggregate classification (germline): Likely benign (1 of 4 stars; one submission).

Conditions:
RYK-related disorder. Also called: RYK-related condition.

gnomAD v4.1: 713 of 1,613,812 alleles (0.044%); highest among the groups gnomAD compares: Middle Eastern, 0.22%; 2 homozygotes.

Submission:

PreventionGenetics, part of Exact Sciences
Classification: Likely benign for RYK-related condition. Last evaluated: 2026-03-19. Review status: criteria provided, single submitter. Criteria: ACMG Guidelines, 2015. Collection method: clinical testing. Allele origin: germline.
Comment: This variant is classified as likely benign based on ACMG/AMP sequence variant interpretation guidelines (Richards et al. 2015 PMID: 25741868, with internal and published modifications).